The following is an entry in ClinVar:

NM_003900.5(SQSTM1):c.933G>A (p.Met311Ile)

Gene: SQSTM1 (sequestosome 1; plus strand). Cytogenetic location: 5q35.3.
Variant type: single nucleotide variant.
Coding change: c.933G>A on transcript NM_003900.5 (MANE Select); coding-DNA position 933, G replaced by A.
Protein change: p.Met311Ile; replaces methionine 311 with isoleucine.
Molecular consequence: missense variant.
Genome position (GRCh38, 1-based): chr5:179,833,210, G>A. VCF-style: chr5-179833210-G-A. GRCh37 (hg19) VCF-style: chr5-179260210-G-A.
Other names: c.681G>A, p.Met227Ile (NM_001142298.2, NM_001142299.2); c.933G>A (NM_003900.4); short protein forms M227I, M311I.
Identifiers: ClinVar variation 3761005 (VCV003761005.3).

ClinVar aggregate classification (germline): Uncertain significance. Review status: criteria provided, multiple submitters, no conflicts (2 of 4 stars). 2 submissions from 2 submitters: Uncertain significance (2). Last evaluated 2025-08-10.

Conditions:
Inborn genetic diseases. Identifiers: MedGen C0950123, MeSH D030342.
Frontotemporal dementia and/or amyotrophic lateral sclerosis 1 (FTDALS1). Also called: Frontotemporal dementia with motor neuron disease 1; C9orf72 Frontotemporal Dementia and/or Amyotrophic Lateral Sclerosis. Identifiers: Orphanet 275872, MedGen C5779877, MONDO:0007105, OMIM 105550.
Paget disease of bone 2, early-onset (PDB2). Also called: Paget disease of bone 2. Identifiers: MedGen C4085251, MONDO:0011183, OMIM 602080.

gnomAD v4.1: 7 of 1,610,024 alleles (0.00043%); highest among the groups gnomAD compares: South Asian, 0.0044%; no homozygotes.

Submissions (2):

Ambry Genetics
Classification: Uncertain significance for Inborn genetic diseases. Last evaluated: 2025-08-10. Review status: criteria provided, single submitter. Criteria: Ambry Variant Classification Scheme 2023. Collection method: clinical testing. Allele origin: germline.

Labcorp Genetics (formerly Invitae), Labcorp
Classification: Uncertain significance for Paget disease of bone 2, early-onset; Frontotemporal dementia and/or amyotrophic lateral sclerosis 1. Last evaluated: 2024-09-14. Review status: criteria provided, single submitter. Criteria: Invitae Variant Classification Sherloc (09022015). Collection method: clinical testing. Allele origin: germline.
Comment: This sequence change replaces methionine, which is neutral and non-polar, with isoleucine, which is neutral and non-polar, at codon 311 of the SQSTM1 protein (p.Met311Ile). This variant is present in population databases (rs577797455, gnomAD 0.01%). This variant has not been reported in the literature in individuals affected with SQSTM1-related conditions. Invitae Evidence Modeling of protein sequence and biophysical properties (such as structural, functional, and spatial information, amino acid conservation, physicochemical variation, residue mobility, and thermodynamic stability) indicates that this missense variant is not expected to disrupt SQSTM1 protein function with a negative predictive value of 80%. In summary, the available evidence is currently insufficient to determine the role of this variant in disease. Therefore, it has been classified as a Variant of Uncertain Significance.